The following is an entry in ClinVar:

NM_133259.4(LRPPRC):c.1195del (p.Glu399fs)

Gene: LRPPRC (leucine rich pentatricopeptide repeat containing; minus strand). Cytogenetic location: 2p21.
Variant type: Deletion.
Coding change: c.1195del on transcript NM_133259.4 (MANE Select); coding-DNA position 1195, one base deleted (G; older notation c.1195delG).
Protein change: p.Glu399fs; shifts the reading frame from glutamic acid 399.
Molecular consequence: frameshift variant.
Genome position (GRCh38, 1-based): chr2:43,973,861, C deleted on the plus strand (G on the coding strand, the reverse complement: LRPPRC is on the minus strand); the first of 2 consecutive C bases (chr2:43,973,861-43,973,862); deleting either gives the same sequence. VCF-style (leftmost placement, unchanged base first): chr2-43973860-TC-T. GRCh37 (hg19) VCF-style: chr2-44200999-TC-T.
Other names: short protein forms E399fs.
Identifiers: ClinVar variation 551574 (VCV000551574.6), dbSNP rs1553410876, ClinGen allele CA658823351.

ClinVar aggregate classification (germline): Pathogenic/Likely pathogenic. Review status: criteria provided, multiple submitters, no conflicts (2 of 4 stars). 3 submissions from 3 submitters: Pathogenic (1); Likely pathogenic (1). 1 of the submissions does not count toward it. Last evaluated 2024-03-19.

Conditions:
Congenital lactic acidosis, Saguenay-Lac-Saint-Jean type (MC4DN5). Also called: CYTOCHROME c OXIDASE DEFICIENCY, FRENCH CANADIAN TYPE; COX DEFICIENCY, FRENCH CANADIAN TYPE; MITOCHONDRIAL COMPLEX IV DEFICIENCY, NUCLEAR TYPE 5. Identifiers: Orphanet 70472, MedGen C1857355, MONDO:0009069, OMIM 220111.

Submissions (3):

Baylor Genetics
Classification: Likely pathogenic for Congenital lactic acidosis, Saguenay-Lac-Saint-Jean type. Last evaluated: 2024-03-19. Review status: criteria provided, single submitter. Criteria: ACMG Guidelines, 2015. Collection method: clinical testing. Allele origin: unknown.

Labcorp Genetics (formerly Invitae), Labcorp
Classification: Pathogenic. Last evaluated: 2023-01-21. Review status: criteria provided, single submitter. Criteria: Invitae Variant Classification Sherloc (09022015). Collection method: clinical testing. Allele origin: germline.
Comment: This sequence change creates a premature translational stop signal (p.Glu399Lysfs*28) in the LRPPRC gene. It is expected to result in an absent or disrupted protein product. Loss-of-function variants in LRPPRC are known to be pathogenic (PMID: 26510951). This variant is not present in population databases (gnomAD no frequency). This variant has not been reported in the literature in individuals affected with LRPPRC-related conditions. ClinVar contains an entry for this variant (Variation ID: 551574). For these reasons, this variant has been classified as Pathogenic.

Counsyl
Classification: Likely pathogenic for Congenital lactic acidosis, Saguenay-Lac-Saint-Jean type. Last evaluated: 2017-10-09. Review status: no assertion criteria provided. Collection method: clinical testing. Allele origin: unknown. Not counted in ClinVar's aggregate classification.

Literature cited by the submitters: PubMed 26510951 (cited by Labcorp Genetics (formerly Invitae), Labcorp).